The following is an entry in ClinVar:

ClinVar aggregate classification (germline): Pathogenic. Review status: reviewed by expert panel (3 of 4 stars). 2 submissions from 2 submitters: Pathogenic (1). 1 of the submissions does not count toward it. Last evaluated 2025-01-08.

Conditions:
Neuromuscular disease caused by qualitative or quantitative defects of dysferlin. Also called: Qualitative or quantitative defects of dysferlin; Dysferlinopathy. Identifiers: Orphanet 207073, MedGen C2931687, MONDO:0016145.
Autosomal recessive limb-girdle muscular dystrophy. Identifiers: Orphanet 102015, MedGen C2931907, MONDO:0015152.

Submissions (2):

ClinGen Limb Girdle Muscular Dystrophy Variant Curation Expert Panel, ClinGen
Classification: Pathogenic for Autosomal recessive limb-girdle muscular dystrophy. Last evaluated: 2025-01-08. Review status: reviewed by expert panel. Criteria: ClinGen LGMD VCEP ACMG Specifications DYSF V1.0.0. Collection method: curation. Allele origin: germline. Inheritance: Autosomal recessive inheritance.
Comment: The NM_003494.4: c.2643+1G>C variant in DYSF, which is also known as NM_001130987.2: c.2697+1G>C, occurs within the canonical splice donor site of intron 25. It is predicted to cause skipping of biologically relevant exon 25/55, resulting in an in-frame deletion of 44 amino acids (PVS1_Moderate). This variant has been confirmed in trans with a likely pathogenic variant in an individual with a clinical diagnosis of LGMD (c.4194C>A p.(Cys1398Ter), 1.0 pt, PMID: 21522182) (PM3). This patient also showed absent dysferlin expression, which is highly specific for DYSF-related LGMD (PP4_Strong). The variant was reported to co-segregate with the disease in one affected family member (PP1). This variant is absent from gnomAD v2.1.1 and v3.1.2 (PM2_Supporting). Another nucleotide change affecting the same splice site and with the same predicted splice effect, NM_003494.4: c.2643+1G>A, is classified as pathogenic for autosomal recessive limb girdle muscular dystrophy by the ClinGen LGMD VCEP. In summary, this variant meets the criteria to be classified as Pathogenic for autosomal recessive limb girdle muscular dystrophy based on the ACMG/AMP criteria applied, as specified by the ClinGen LGMD VCEP (LGMD VCEP specifications version 1.0.0; 01/08/2025): PVS1_Moderate, PM3, PP4_Strong, PP1, PM2_Supporting.

Labcorp Genetics (formerly Invitae), Labcorp
Classification: Pathogenic for Neuromuscular disease caused by qualitative or quantitative defects of dysferlin. Last evaluated: 2025-11-03. Review status: criteria provided, single submitter. Criteria: Invitae Variant Classification Sherloc (09022015). Collection method: clinical testing. Allele origin: germline. Not counted in ClinVar's aggregate classification.
Comment: This sequence change affects a donor splice site in intron 25 of the DYSF gene. It is expected to disrupt RNA splicing. Variants that disrupt the donor or acceptor splice site typically lead to a loss of protein function (PMID: 16199547), and loss-of-function variants in DYSF are known to be pathogenic (PMID: 17698709, 20301480). This variant is not present in population databases (gnomAD no frequency). Disruption of this splice site has been observed in individuals with DYSF-related conditions (PMID: 21522182, 22246893). ClinVar contains an entry for this variant (Variation ID: 936623). Algorithms developed to predict the effect of sequence changes on RNA splicing suggest that this variant may disrupt the consensus splice site. For these reasons, this variant has been classified as Pathogenic.

Literature cited by the submitters: PubMed 16199547 (cited by Labcorp Genetics (formerly Invitae), Labcorp); PubMed 17698709 (cited by Labcorp Genetics (formerly Invitae), Labcorp); PubMed 20301480 (cited by Labcorp Genetics (formerly Invitae), Labcorp); PubMed 21522182 (cited by Labcorp Genetics (formerly Invitae), Labcorp); PubMed 22246893 (cited by Labcorp Genetics (formerly Invitae), Labcorp).

NM_001130987.2(DYSF):c.2697+1G>C

Gene: DYSF (dysferlin; plus strand). Cytogenetic location: 2p13.2.
Variant type: single nucleotide variant.
Coding change: c.2697+1G>C on transcript NM_001130987.2 (MANE Select); the canonical splice donor site of the intron after coding-DNA position 2697, G replaced by C.
Molecular consequence: splice donor variant.
Genome position (GRCh38, 1-based): chr2:71,568,083, G>C. VCF-style: chr2-71568083-G-C. GRCh37 (hg19) VCF-style: chr2-71795213-G-C.
Other names: c.2697+1G>C (NM_001130985.2); c.2646+1G>C (NM_001130983.2, NM_001130455.2); c.2604+1G>C (NM_001130984.2, NM_001130986.2); c.2736+1G>C (NM_001130979.2); c.2694+1G>C (NM_001130981.2, NM_001130980.2); c.2643+1G>C (NM_001130978.2, NM_003494.4); c.2601+1G>C (NM_001130977.2, NM_001130976.2); c.2739+1G>C (NM_001130982.2).
Identifiers: ClinVar variation 936623 (VCV000936623.11), dbSNP rs140108514, ClinGen allele CA347214076.
Genomic context (GRCh38, chr2:71,568,083, plus strand): 5'-GTGGATGAGAAGGAGTTCAACCAGTTTGCTGAGGGGAAGCTGTCTGTCTTTGCTGAAACC[G>C]TGAGTACCTGCCAGCCCCCACCTCTGCCTCCCACTACCTGGAGCTGCCTTGGCCCCCTGC-3'